The following is an entry in ClinVar:

NM_015378.4(VPS13D):c.9153C>T (p.Ala3051=)

Gene: VPS13D (vacuolar protein sorting 13 homolog D; plus strand). Cytogenetic location: 1p36.22.
Variant type: single nucleotide variant.
Coding change: c.9153C>T on transcript NM_015378.4 (MANE Select); coding-DNA position 9153, C replaced by T.
Protein change: p.Ala3051=; no amino-acid change (alanine 3051 retained).
Molecular consequence: synonymous variant.
Genome position (GRCh38, 1-based): chr1:12,348,906, C>T. VCF-style: chr1-12348906-C-T. GRCh37 (hg19) VCF-style: chr1-12408963-C-T.
Other names: p.Ala3051=; c.9078C>T, p.Ala3026= (NM_018156.4).
Identifiers: ClinVar variation 4684648 (VCV004684648.2).

ClinVar aggregate classification (germline): Likely benign. Review status: criteria provided, multiple submitters, no conflicts (2 of 4 stars). 2 submissions from 2 submitters: Likely benign (2). Last evaluated 2025-03-31.

gnomAD v4.1: 7 of 1,614,016 alleles (0.00043%); highest among the groups gnomAD compares: African/African-American, 0.0013%; no homozygotes.

Submissions (2):

Mayo Clinic Laboratories, Mayo Clinic
Classification: Likely benign. Last evaluated: 2025-03-31. Review status: criteria provided, single submitter. Criteria: ACMG Guidelines, 2015. Collection method: clinical testing. Allele origin: germline. Observed: 1 variant allele.
Comment: BP4, BP7

Blueprint Genetics
Classification: Likely benign. Last evaluated: 2024-09-17. Review status: criteria provided, single submitter. Criteria: ACMG Guidelines, 2015. Collection method: clinical testing. Allele origin: germline.